The following is an entry in ClinVar:

ClinVar aggregate classification (germline): Benign/Likely benign. Review status: criteria provided, multiple submitters, no conflicts (2 of 4 stars). 2 submissions from 2 submitters: Benign (1); Likely benign (1). Last evaluated 2019-10-17.

Conditions:
Leigh syndrome (NULS). Also called: Leigh Syndrome (mtDNA deletion); Leigh's syndrome; LEIGH SYNDROME, NUCLEAR; Leigh Disease; Subacute necrotizing encephalopathy; Necrotizing encephalopathy infantile subacute of Leigh. Identifiers: Orphanet 506, MedGen C2931891, MONDO:0009723, OMIM 256000.

Submissions (2):

Wong Mito Lab, Molecular and Human Genetics, Baylor College of Medicine
Classification: Benign for Leigh syndrome. Last evaluated: 2019-10-17. Review status: criteria provided, single submitter. Criteria: Modified ACMG Guidelines (Unpublished). Collection method: clinical testing. Allele origin: germline.
Comment: The NC_012920.1:m.3796A>T (YP_003024026.1:p.Thr164Ser) variant in MTND1 gene is interpretated to be a Benign variant based on the modified ACMG guidelines (unpublished). This variant meets the following evidence codes: BS1, BS2, BP4

Center for Pediatric Genomic Medicine, Children's Mercy Hospital and Clinics
Classification: Likely benign. Last evaluated: 2015-08-12. Review status: criteria provided, single submitter. Criteria: ACMG Guidelines, 2015. Collection method: clinical testing. Allele origin: germline.
ClinVar note: Converted during submission from Likely Benign to Likely benign.

NC_012920.1(MT-ND1):m.3796A>T

Gene: MT-ND1 (mitochondrially encoded NADH dehydrogenase 1; plus strand).
Variant type: single nucleotide variant.
Genome position: chrM-3796-A-T.
Identifiers: ClinVar variation 235654 (VCV000235654.4), dbSNP rs28357970, ClinGen allele CA10581388.